The following is an entry in ClinVar:

ClinVar aggregate classification (germline): Benign/Likely benign. Review status: criteria provided, multiple submitters, no conflicts (2 of 4 stars). 2 submissions from 2 submitters: Benign (1); Likely benign (1). Last evaluated 2025-11-18.

Conditions:
Infantile-onset X-linked spinal muscular atrophy. Also called: AMC, DISTAL, X-LINKED; ARTHROGRYPOSIS, X-LINKED, TYPE I; Spinal muscular atrophy, X-linked 2; Spinal Muscular Atrophy, X-Linked Infantile; SPINAL MUSCULAR ATROPHY, X-LINKED LETHAL INFANTILE. Identifiers: Orphanet 1145, MedGen C1844934, MONDO:0010532, OMIM 301830.

Allele frequency attached by ClinVar (database versions not stated): gnomAD 0.00222 and 0.00241; TOPMed 0.00239; 1000 Genomes Project 0.00291; 1000 Genomes Project 30x 0.00291; ESP Exome Variant Server 0.00294.
gnomAD v4.1: 523 of 1,203,847 alleles (0.043%); highest among the groups gnomAD compares: African/African-American, 0.87%; no homozygotes.

Submissions (2):

Labcorp Genetics (formerly Invitae), Labcorp
Classification: Benign for Infantile-onset X-linked spinal muscular atrophy. Last evaluated: 2025-11-18. Review status: criteria provided, single submitter. Criteria: Invitae Variant Classification Sherloc (09022015). Collection method: clinical testing. Allele origin: germline.

GeneDx
Classification: Likely benign. Last evaluated: 2017-11-27. Review status: criteria provided, single submitter. Criteria: GeneDx Variant Classification (06012015). Collection method: clinical testing. Allele origin: germline. Affected: yes.
Comment: This variant is considered likely benign or benign based on one or more of the following criteria: it is a conservative change, it occurs at a poorly conserved position in the protein, it is predicted to be benign by multiple in silico algorithms, and/or has population frequency not consistent with disease.

NM_003334.4(UBA1):c.1233+13G>A

Gene: UBA1 (ubiquitin like modifier activating enzyme 1; plus strand). Cytogenetic location: Xp11.3.
Variant type: single nucleotide variant.
Coding change: c.1233+13G>A on transcript NM_003334.4 (MANE Select); 13 bases into the intron after coding-DNA position 1233, G replaced by A.
Molecular consequence: intron variant.
Genome position (GRCh38, 1-based): chrX:47,202,827, G>A. VCF-style: chrX-47202827-G-A. GRCh37 (hg19) VCF-style: chrX-47062226-G-A.
Other names: c.1233+13G>A (NM_153280.3).
Identifiers: ClinVar variation 513578 (VCV000513578.9), dbSNP rs141049438, ClinGen allele CA10395861.